The following is an entry in ClinVar:

ClinVar aggregate classification (germline): Uncertain significance. Review status: criteria provided, multiple submitters, no conflicts (2 of 4 stars). 2 submissions from 2 submitters: Uncertain significance (2). Last evaluated 2024-04-15.

Conditions:
KBG syndrome (KBGS). Also called: ANKRD11-Related KBG Syndrome. Identifiers: Orphanet 2332, MedGen C0220687, MONDO:0007846, OMIM 148050.

Allele frequency attached by ClinVar (database versions not stated): ExAC 0.00001; TOPMed 0.00001.
gnomAD v4.1: 30 of 1,609,502 alleles (0.0019%); highest among the groups gnomAD compares: Non-Finnish European, 0.0024%; no homozygotes.

Submissions (2):

Labcorp Genetics (formerly Invitae), Labcorp
Classification: Uncertain significance for KBG syndrome. Last evaluated: 2024-04-15. Review status: criteria provided, single submitter. Criteria: Invitae Variant Classification Sherloc (09022015). Collection method: clinical testing. Allele origin: germline.
Comment: This sequence change replaces threonine, which is neutral and polar, with alanine, which is neutral and non-polar, at codon 1721 of the ANKRD11 protein (p.Thr1721Ala). This variant is present in population databases (rs766737603, gnomAD 0.0009%). This variant has not been reported in the literature in individuals affected with ANKRD11-related conditions. Advanced modeling of protein sequence and biophysical properties (such as structural, functional, and spatial information, amino acid conservation, physicochemical variation, residue mobility, and thermodynamic stability) performed at Invitae indicates that this missense variant is not expected to disrupt ANKRD11 protein function with a negative predictive value of 95%. In summary, the available evidence is currently insufficient to determine the role of this variant in disease. Therefore, it has been classified as a Variant of Uncertain Significance.

GeneDx
Classification: Uncertain significance. Last evaluated: 2023-12-22. Review status: criteria provided, single submitter. Criteria: GeneDx Variant Classification Process June 2021. Collection method: clinical testing. Allele origin: germline. Affected: yes.
Comment: Not observed at significant frequency in large population cohorts (gnomAD); In silico analysis supports that this missense variant has a deleterious effect on protein structure/function; Has not been previously published as pathogenic or benign to our knowledge

NM_013275.6(ANKRD11):c.5161A>G (p.Thr1721Ala)

Gene: ANKRD11 (ankyrin repeat domain 11; minus strand). Cytogenetic location: 16q24.3.
Variant type: single nucleotide variant.
Coding change: c.5161A>G on transcript NM_013275.6 (MANE Select); coding-DNA position 5161, A replaced by G.
Protein change: p.Thr1721Ala; replaces threonine 1721 with alanine.
Molecular consequence: missense variant.
Genome position (GRCh38, 1-based): chr16:89,281,381, T>C on the plus strand (A>G on the coding strand, the complement: ANKRD11 is on the minus strand). VCF-style: chr16-89281381-T-C. GRCh37 (hg19) VCF-style: chr16-89347789-T-C.
Other names: c.5161A>G, p.Thr1721Ala (NM_001256182.2, NM_001256183.2); c.5161A>G (NM_013275.5); short protein forms T1721A.
Identifiers: ClinVar variation 2891048 (VCV002891048.4), dbSNP rs766737603, ClinGen allele CA8241930.